The following is an entry in ClinVar:

ClinVar aggregate classification (germline): Uncertain significance (1 of 4 stars; one submission).

Conditions:
Cardiovascular phenotype. Identifiers: MedGen CN230736.

gnomAD v4.1: 1 of 1,600,886 alleles (0.000062%); highest among the groups gnomAD compares: Non-Finnish European, 0.000085%; no homozygotes.

Submission:

Ambry Genetics
Classification: Uncertain significance for Cardiovascular phenotype. Last evaluated: 2026-06-09. Review status: criteria provided, single submitter. Criteria: Ambry Variant Classification Scheme 2023. Collection method: clinical testing. Allele origin: germline.
Comment: The p.G1143D variant (also known as c.3428G>A), located in coding exon 22 of the SOS1 gene, results from a G to A substitution at nucleotide position 3428. The glycine at codon 1143 is replaced by aspartic acid, an amino acid with similar properties. This amino acid position is conserved. In addition, this alteration is predicted to be tolerated by in silico analysis. Based on the available evidence, the clinical significance of this variant remains unclear.

NM_005633.4(SOS1):c.3428G>A (p.Gly1143Asp)

Gene: SOS1 (SOS Ras/Rac guanine nucleotide exchange factor 1; minus strand). Cytogenetic location: 2p22.1.
Variant type: single nucleotide variant.
Coding change: c.3428G>A on transcript NM_005633.4 (MANE Select); coding-DNA position 3428, G replaced by A.
Protein change: p.Gly1143Asp; replaces glycine 1143 with aspartic acid.
Molecular consequence: missense variant.
Genome position (GRCh38, 1-based): chr2:38,987,555, C>T on the plus strand (G>A on the coding strand, the complement: SOS1 is on the minus strand). VCF-style: chr2-38987555-C-T. GRCh37 (hg19) VCF-style: chr2-39214696-C-T.
Other names: c.3383G>A, p.Gly1128Asp (NM_001382395.1); c.3407G>A, p.Gly1136Asp (NM_001382394.1); short protein forms G1128D, G1136D, G1143D.
Identifiers: ClinVar variation 4864939 (VCV004864939.1).